The following is an entry in ClinVar:

ClinVar aggregate classification (germline): Uncertain significance (1 of 4 stars; one submission).

Allele frequency attached by ClinVar (database versions not stated): TOPMed below 0.00001; ExAC 0.00001; gnomAD 0.00001; gnomAD exomes 0.00001.
gnomAD v4.1: 10 of 1,613,934 alleles (0.00062%); highest among the groups gnomAD compares: East Asian, 0.0022%; no homozygotes.

Submission:

Labcorp Genetics (formerly Invitae), Labcorp
Classification: Uncertain significance. Last evaluated: 2025-12-11. Review status: criteria provided, single submitter. Criteria: Invitae Variant Classification Sherloc (09022015). Collection method: clinical testing. Allele origin: germline.
Comment: This sequence change replaces glutamic acid, which is acidic and polar, with lysine, which is basic and polar, at codon 613 of the EFL1 protein (p.Glu613Lys). This variant is present in population databases (rs765484880, gnomAD 0.003%). This variant has not been reported in the literature in individuals affected with EFL1-related conditions. ClinVar contains an entry for this variant (Variation ID: 1511075). Invitae Evidence Modeling of protein sequence and biophysical properties (such as structural, functional, and spatial information, amino acid conservation, physicochemical variation, residue mobility, and thermodynamic stability) indicates that this missense variant is not expected to disrupt EFL1 protein function with a negative predictive value of 80%. In summary, the available evidence is currently insufficient to determine the role of this variant in disease. Therefore, it has been classified as a Variant of Uncertain Significance.

NM_024580.6(EFL1):c.1837G>A (p.Glu613Lys)

Gene: EFL1 (elongation factor like GTPase 1; minus strand). Cytogenetic location: 15q25.2.
Variant type: single nucleotide variant.
Coding change: c.1837G>A on transcript NM_024580.6 (MANE Select); coding-DNA position 1837, G replaced by A.
Protein change: p.Glu613Lys; replaces glutamic acid 613 with lysine.
Molecular consequence: missense variant. On other transcripts: non-coding transcript variant (1).
Genome position (GRCh38, 1-based): chr15:82,163,898, C>T on the plus strand (G>A on the coding strand, the complement: EFL1 is on the minus strand). VCF-style: chr15-82163898-C-T. GRCh37 (hg19) VCF-style: chr15-82456239-C-T.
Other names: c.1684G>A, p.Glu562Lys (NM_001040610.3); c.1048G>A, p.Glu350Lys (NM_001322844.2); c.1837G>A, p.Glu613Lys (NM_001322845.2); short protein forms E613K, E562K, E350K.
Identifiers: ClinVar variation 1511075 (VCV001511075.5), dbSNP rs765484880, ClinGen allele CA7697870.